The following is an entry in ClinVar:

NM_000540.3(RYR1):c.11895_11896del (p.Glu3966fs)

Gene: RYR1 (ryanodine receptor 1; plus strand). Cytogenetic location: 19q13.2.
Variant type: Deletion.
Coding change: c.11895_11896del on transcript NM_000540.3 (MANE Select); coding-DNA positions 11895 to 11896, 2 bases deleted (TG; older notation c.11895_11896delTG).
Protein change: p.Glu3966fs; shifts the reading frame from glutamic acid 3966.
Molecular consequence: frameshift variant.
Genome position (GRCh38, 1-based): chr19:38,543,648-38,543,649, TG deleted. VCF-style (leftmost placement, unchanged base first): chr19-38543647-CTG-C. GRCh37 (hg19) VCF-style: chr19-39034287-CTG-C.
Other names: c.11880_11881del, p.Glu3961fs (NM_001042723.2); short protein forms E3966fs, E3961fs.
Identifiers: ClinVar variation 2740196 (VCV002740196.3), dbSNP rs2514577605, ClinGen allele CA2697556583.

ClinVar aggregate classification (germline): Pathogenic (1 of 4 stars; one submission).

Conditions:
RYR1-related disorder. Also called: RYR1-related condition; RYR1-related disorders. Identifiers: MedGen CN239331.

Submission:

Labcorp Genetics (formerly Invitae), Labcorp
Classification: Pathogenic for RYR1-related disorder. Last evaluated: 2023-07-09. Review status: criteria provided, single submitter. Criteria: Invitae Variant Classification Sherloc (09022015). Collection method: clinical testing. Allele origin: germline.
Comment: For these reasons, this variant has been classified as Pathogenic. This variant has not been reported in the literature in individuals affected with RYR1-related conditions. This variant is not present in population databases (gnomAD no frequency). This sequence change creates a premature translational stop signal (p.Glu3966Valfs*108) in the RYR1 gene. It is expected to result in an absent or disrupted protein product. Loss-of-function variants in RYR1 are known to be pathogenic (PMID: 23919265, 25960145, 28818389, 30611313).

Literature cited by the submitters: PubMed 23919265; PubMed 25960145; PubMed 28818389; PubMed 30611313.